The following is an entry in ClinVar:

ClinVar aggregate classification (germline): Uncertain significance (1 of 4 stars; one submission).

Submission:

GeneDx
Classification: Uncertain significance. Last evaluated: 2025-02-14. Review status: criteria provided, single submitter. Criteria: GeneDx Variant Classification Process June 2021. Collection method: clinical testing. Allele origin: germline. Affected: yes.
Comment: Not observed at significant frequency in large population cohorts (gnomAD); In silico analysis supports that this missense variant has a deleterious effect on protein structure/function; Has not been previously published as pathogenic or benign to our knowledge

NM_005754.3(G3BP1):c.1008C>G (p.His336Gln)

Gene: G3BP1 (G3BP stress granule assembly factor 1; plus strand). Cytogenetic location: 5q33.1.
Variant type: single nucleotide variant.
Coding change: c.1008C>G on transcript NM_005754.3 (MANE Select); coding-DNA position 1008, C replaced by G.
Protein change: p.His336Gln; replaces histidine 336 with glutamine.
Molecular consequence: missense variant.
Genome position (GRCh38, 1-based): chr5:151,800,270, C>G. VCF-style: chr5-151800270-C-G. GRCh37 (hg19) VCF-style: chr5-151179831-C-G.
Other names: c.1008C>G, p.His336Gln (NM_198395.2); short protein forms H336Q.
Identifiers: ClinVar variation 4076689 (VCV004076689.1).
Genomic context (GRCh38, chr5:151,800,270, plus strand): 5'-CTTTTAAGTCCGTGAGGCTGGTGAGCAAGGTGACATTGAACCCCGAAGAATGGTGAGACA[C>G]CCTGACAGTCACCAACTCTTCATTGGCAACCTGCCTCATGAAGTGGACAAATCAGAGCTT-3'
Protein context (NP_005745.1, residues 326-346): GDIEPRRMVR[His336Gln]PDSHQLFIGN